The following is an entry in ClinVar:

NM_000059.4(BRCA2):c.7191T>C (p.Ile2397=)

Gene: BRCA2 (BRCA2 DNA repair associated; plus strand). Cytogenetic location: 13q13.1.
Variant type: single nucleotide variant.
Coding change: c.7191T>C on transcript NM_000059.4 (MANE Select); coding-DNA position 7191, T replaced by C.
Protein change: p.Ile2397=; no amino-acid change (isoleucine 2397 retained).
Molecular consequence: synonymous variant.
Genome position (GRCh38, 1-based): chr13:32,355,044, T>C. VCF-style: chr13-32355044-T-C. GRCh37 (hg19) VCF-style: chr13-32929181-T-C.
Identifiers: ClinVar variation 479308 (VCV000479308.21), dbSNP rs772265912, ClinGen allele CA6941068.

ClinVar aggregate classification (germline): Likely benign. Review status: criteria provided, multiple submitters, no conflicts (2 of 4 stars). 6 submissions from 6 submitters: Likely benign (6). Last evaluated 2025-07-14.

Conditions:
Hereditary cancer-predisposing syndrome. Also called: Tumor predisposition; Neoplastic Syndromes, Hereditary; Hereditary Cancer Syndrome; Hereditary neoplastic syndrome. Identifiers: Orphanet 140162, MedGen C0027672, MeSH D009386, MONDO:0015356.
Hereditary breast ovarian cancer syndrome. Also called: Hereditary breast and ovarian cancer; Breast and ovarian cancer; Hereditary breast and/or ovarian cancer syndrome; Hereditary breast and ovarian cancer syndrome (HBOC); BRCA1- and BRCA2-Associated Hereditary Breast and Ovarian Cancer; Hereditary breast and ovarian cancer syndrome. Identifiers: Orphanet 145, MedGen C0677776, MeSH D061325, MONDO:0003582. Disease mechanism: loss of function.
Pancreatic cancer, susceptibility to, 2. Identifiers: Orphanet 1333, MedGen C3150546, MONDO:0013235, OMIM 613347.
Breast-ovarian cancer, familial, susceptibility to, 2 (BROVCA2). Also called: BRCA2 Hereditary Breast and Ovarian Cancer. Identifiers: Orphanet 145, MedGen C2675520, MONDO:0012933, OMIM 612555. Disease mechanism: loss of function.

Allele frequency attached by ClinVar (database versions not stated): gnomAD 0.00001.
gnomAD v4.1: 2 of 1,613,974 alleles (0.00012%); highest among the groups gnomAD compares: Non-Finnish European, 0.00017%; no homozygotes.

Submissions (6):

Labcorp Genetics (formerly Invitae), Labcorp
Classification: Likely benign for Hereditary breast ovarian cancer syndrome. Last evaluated: 2025-07-14. Review status: criteria provided, single submitter. Criteria: Invitae Variant Classification Sherloc (09022015). Collection method: clinical testing. Allele origin: germline.

Quest Diagnostics Nichols Institute San Juan Capistrano
Classification: Likely benign. Last evaluated: 2025-05-12. Review status: criteria provided, single submitter. Criteria: Quest Diagnostics criteria. Collection method: clinical testing. Allele origin: unknown.

All of Us Research Program, National Institutes of Health
Classification: Likely benign for Breast-ovarian cancer, familial, susceptibility to, 2. Last evaluated: 2023-10-27. Review status: criteria provided, single submitter. Criteria: ACMG Guidelines, 2015. Collection method: clinical testing. Allele origin: germline. Inheritance: Autosomal dominant inheritance. Observed: 1 variant allele, 1 heterozygote.
Comment: This study involves interpretation of variants in research participants for the purpose of population health screening. Participant phenotype was not available at the time of variant classification. Additional details can be found in publication PMID: 35346344, PMCID: PMC8962531

Department of Pathology and Laboratory Medicine, Sinai Health System
Classification: Likely benign for Pancreatic cancer, susceptibility to, 2. Last evaluated: 2022-02-07. Review status: criteria provided, single submitter. Criteria: ACMG Guidelines, 2015. Collection method: clinical testing. Allele origin: germline. Affected: yes.

Color Diagnostics, LLC DBA Color Health
Classification: Likely benign for Hereditary cancer-predisposing syndrome. Last evaluated: 2018-06-04. Review status: criteria provided, single submitter. Criteria: ACMG Guidelines, 2015. Collection method: clinical testing. Allele origin: germline.

Ambry Genetics
Classification: Likely benign for Hereditary cancer-predisposing syndrome. Last evaluated: 2016-03-24. Review status: criteria provided, single submitter. Criteria: Ambry Variant Classification Scheme 2023. Collection method: clinical testing. Allele origin: germline.